The following is an entry in ClinVar:

ClinVar aggregate classification (germline): Uncertain significance (1 of 4 stars; one submission).

Conditions:
Arrhythmogenic right ventricular dysplasia 9 (ARVD9). Also called: Arrhythmogenic Right Ventricular Dysplasia/Cardiomyopathy 9; ARRHYTHMOGENIC RIGHT VENTRICULAR DYSPLASIA, FAMILIAL, 9. Identifiers: MedGen C1836906, MONDO:0012180, OMIM 609040.

Submission:

Labcorp Genetics (formerly Invitae), Labcorp
Classification: Uncertain significance for Arrhythmogenic right ventricular dysplasia 9. Last evaluated: 2022-07-17. Review status: criteria provided, single submitter. Criteria: Invitae Variant Classification Sherloc (09022015). Collection method: clinical testing. Allele origin: germline.
Comment: This variant results in a copy number gain of the genomic region encompassing exon(s) 1-4 of the PKP2 gene. This region includes the initiator codon of the gene. This copy number gain extends beyond the assayed region for this gene and therefore may encompass additional genes. As the precise location of this event is unknown, it may be in tandem or it may be located elsewhere in the genome. This variant has not been reported in the literature in individuals affected with PKP2-related conditions. Experimental studies and prediction algorithms are not available or were not evaluated, and the functional significance of this variant is currently unknown. In summary, the available evidence is currently insufficient to determine the role of this variant in disease. Therefore, it has been classified as a Variant of Uncertain Significance.

NC_000012.11:g.(?_33021841)_(33049665_?)dup

Gene: PKP2 (plakophilin 2; minus strand). Cytogenetic location: 12p11.21.
Variant type: Duplication.
Identifiers: ClinVar variation 2425175 (VCV002425175.3).